The following is an entry in ClinVar:

NM_000091.5(COL4A3):c.2833_2834del (p.Ser945fs)

Genes: COL4A3 (collagen type IV alpha 3 chain; plus strand), MFF-DT (MFF divergent transcript; minus strand). Cytogenetic location: 2q36.3.
Variant type: Deletion.
Coding change: c.2833_2834del on transcript NM_000091.5 (MANE Select); coding-DNA positions 2833 to 2834, 2 bases deleted (TC; older notation c.2833_2834delTC).
Protein change: p.Ser945fs; shifts the reading frame from serine 945.
Molecular consequence: frameshift variant.
Genome position (GRCh38, 1-based): chr2:227,284,297-227,284,298, TC deleted. VCF-style (leftmost placement, unchanged base first): chr2-227284296-TTC-T. GRCh37 (hg19) VCF-style: chr2-228149012-TTC-T.
Other names: short protein forms S945fs.
Identifiers: ClinVar variation 5011386 (VCV005011386.1).

ClinVar aggregate classification (germline): Pathogenic (1 of 4 stars; one submission).

Conditions:
Alport syndrome. Also called: Hemorrhagic familial nephritis; Hemorrhagic hereditary nephritis; Congenital hereditary hematuria. Identifiers: Orphanet 63, MedGen C1567741, MONDO:0018965.

Submission:

Myriad Genetics, Inc.
Classification: Pathogenic for Alport syndrome. Last evaluated: 2023-08-18. Review status: criteria provided, single submitter. Criteria: Myriad Autosomal Dominant, Autosomal Recessive and X-Linked Classification Criteria (2023). Collection method: clinical testing. Allele origin: unknown.
Comment: NM_000091.4(COL4A3):c.2833_2834delTC(S945Rfs*23) is expected to be pathogenic in the context of Alport syndrome, COL4A3-related. This variant is predicted to lead to an abnormal or absent protein product due to the creation of a premature termination codon in COL4A3, a gene where loss-of-function variants are known to be pathogenic. Please note: this variant was assessed in the context of healthy population screening.